The following is an entry in ClinVar:

NM_001282531.3(ADNP):c.2129C>T (p.Pro710Leu)

Gene: ADNP (activity dependent neuroprotector homeobox; minus strand). Cytogenetic location: 20q13.13.
Variant type: single nucleotide variant.
Coding change: c.2129C>T on transcript NM_001282531.3 (MANE Select); coding-DNA position 2129, C replaced by T.
Protein change: p.Pro710Leu; replaces proline 710 with leucine.
Molecular consequence: missense variant.
Genome position (GRCh38, 1-based): chr20:50,892,585, G>A on the plus strand (C>T on the coding strand, the complement: ADNP is on the minus strand). VCF-style: chr20-50892585-G-A. GRCh37 (hg19) VCF-style: chr20-49509122-G-A.
Other names: c.2129C>T, p.Pro710Leu (NM_001282532.2, NM_001347511.2, NM_015339.5 and 1 more transcripts); c.2345C>T, p.Pro782Leu (NM_001439000.1); c.1445C>T, p.Pro482Leu (NM_001439001.1); short protein forms P482L, P782L, P710L.
Identifiers: ClinVar variation 4762166 (VCV004762166.1).
Genomic context (GRCh38, chr20:50,892,585, plus strand): 5'-CGTTTTTTCAGTAAGGGAAATTCCATTTGCTCGTAAGTGCGCTTCACAGGTGCCAGACTT[G>A]GAGACTGATTAAGCCGAGAGGGTGCATTTGTCTTATCCTGGCCATTTTGGGTCTTTCCAA-3'
Protein context (NP_001269460.1, residues 700-720): TNAPSRLNQS[Pro710Leu]SLAPVKRTYE

ClinVar aggregate classification (germline): Uncertain significance (1 of 4 stars; one submission).

gnomAD v4.1: 1 of 1,614,212 alleles (0.000062%); highest among the groups gnomAD compares: Admixed American, 0.0017%; no homozygotes.

Submission:

Labcorp Genetics (formerly Invitae), Labcorp
Classification: Uncertain significance. Last evaluated: 2025-11-01. Review status: criteria provided, single submitter. Criteria: Invitae Variant Classification Sherloc (09022015). Collection method: clinical testing. Allele origin: germline.
Comment: This sequence change replaces proline, which is neutral and non-polar, with leucine, which is neutral and non-polar, at codon 710 of the ADNP protein (p.Pro710Leu). This variant is not present in population databases (gnomAD no frequency). This variant has not been reported in the literature in individuals affected with ADNP-related conditions. An algorithm developed to predict the effect of missense changes on protein structure and function (PolyPhen-2) suggests that this variant is likely to be tolerated. In summary, the available evidence is currently insufficient to determine the role of this variant in disease. Therefore, it has been classified as a Variant of Uncertain Significance.